The following is an entry in ClinVar:

NM_032776.3(JMJD1C):c.2276C>G (p.Thr759Ser)

Gene: JMJD1C (jumonji domain containing 1C; minus strand). Cytogenetic location: 10q21.3.
Variant type: single nucleotide variant.
Coding change: c.2276C>G on transcript NM_032776.3 (MANE Select); coding-DNA position 2276, C replaced by G.
Protein change: p.Thr759Ser; replaces threonine 759 with serine.
Molecular consequence: missense variant. On other transcripts: non-coding transcript variant (1).
Genome position (GRCh38, 1-based): chr10:63,213,891, G>C on the plus strand (C>G on the coding strand, the complement: JMJD1C is on the minus strand). VCF-style: chr10-63213891-G-C. GRCh37 (hg19) VCF-style: chr10-64973651-G-C.
Other names: c.1730C>G, p.Thr577Ser (NM_001282948.2, NM_001318154.2); c.1412C>G, p.Thr471Ser (NM_001318153.2); c.2162C>G, p.Thr721Ser (NM_001322252.2); c.1619C>G, p.Thr540Ser (NM_001322254.2, NM_001322258.2); short protein forms T540S, T577S, T759S, T471S, T721S.
Identifiers: ClinVar variation 2702645 (VCV002702645.3), dbSNP rs2492769808, ClinGen allele CA377046313.

ClinVar aggregate classification (germline): Uncertain significance (1 of 4 stars; one submission).

Conditions:
Early Myoclonic Encephalopathy. Identifiers: MedGen C0270855.

Submission:

Labcorp Genetics (formerly Invitae), Labcorp
Classification: Uncertain significance for Early Myoclonic Encephalopathy. Last evaluated: 2023-12-13. Review status: criteria provided, single submitter. Criteria: Invitae Variant Classification Sherloc (09022015). Collection method: clinical testing. Allele origin: germline.
Comment: This sequence change replaces threonine, which is neutral and polar, with serine, which is neutral and polar, at codon 759 of the JMJD1C protein (p.Thr759Ser). This variant is not present in population databases (gnomAD no frequency). This variant has not been reported in the literature in individuals affected with JMJD1C-related conditions. Algorithms developed to predict the effect of missense changes on protein structure and function output the following: SIFT: "Not Available"; PolyPhen-2: "Benign"; Align-GVGD: "Not Available". The serine amino acid residue is found in multiple mammalian species, which suggests that this missense change does not adversely affect protein function. In summary, the available evidence is currently insufficient to determine the role of this variant in disease. Therefore, it has been classified as a Variant of Uncertain Significance.